The following is an entry in ClinVar:

NM_015698.6(GPKOW):c.1335G>A (p.Arg445=)

Gene: GPKOW (G-patch domain and KOW motifs; minus strand). Cytogenetic location: Xp11.23.
Variant type: single nucleotide variant.
Coding change: c.1335G>A on transcript NM_015698.6 (MANE Select); coding-DNA position 1335, G replaced by A.
Protein change: p.Arg445=; no amino-acid change (arginine 445 retained).
Molecular consequence: synonymous variant.
Genome position (GRCh38, 1-based): chrX:49,113,717, C>T on the plus strand (G>A on the coding strand, the complement: GPKOW is on the minus strand). VCF-style: chrX-49113717-C-T. GRCh37 (hg19) VCF-style: chrX-48970655-C-T.
Identifiers: ClinVar variation 3060823 (VCV003060823.2), dbSNP rs34057359, ClinGen allele CA10408664.

ClinVar aggregate classification (germline): Benign (0 of 4 stars; one submission).

Conditions:
GPKOW-related disorder. Also called: GPKOW-related condition.

Allele frequency attached by ClinVar (database versions not stated): gnomAD exomes 0.00990; ExAC 0.04013; gnomAD 0.09656; 1000 Genomes Project 0.10834; TOPMed 0.10864; 1000 Genomes Project 30x 0.11259; ESP Exome Variant Server 0.12326.

Submission:

PreventionGenetics, part of Exact Sciences
Classification: Benign for GPKOW-related condition. Last evaluated: 2019-12-03. Review status: no assertion criteria provided. Collection method: clinical testing. Allele origin: germline.
Comment: This variant is classified as benign based on ACMG/AMP sequence variant interpretation guidelines (Richards et al. 2015 PMID: 25741868, with internal and published modifications).